The following is an entry in ClinVar:

NM_012106.4(ARL2BP):c.85G>A (p.Glu29Lys)

Gene: ARL2BP (ARF like GTPase 2 binding protein; plus strand). Cytogenetic location: 16q13.
Variant type: single nucleotide variant.
Coding change: c.85G>A on transcript NM_012106.4 (MANE Select); coding-DNA position 85, G replaced by A.
Protein change: p.Glu29Lys; replaces glutamic acid 29 with lysine.
Molecular consequence: missense variant.
Genome position (GRCh38, 1-based): chr16:57,246,126, G>A. VCF-style: chr16-57246126-G-A. GRCh37 (hg19) VCF-style: chr16-57280038-G-A.
Other names: short protein forms E29K.
Identifiers: ClinVar variation 2009705 (VCV002009705.4), dbSNP rs2545930784, ClinGen allele CA396021319.
Genomic context (GRCh38, chr16:57,246,126, plus strand): 5'-GGCATGTTTTTCAGCTCCTCCGCCTCTGATGCAGAATTTGATGCTGTGGTTGGATATTTA[G>A]AGGACATTATCATGGGTAAGCTTTTAAGATACTGTTTTTAAGGACTTGCTTGTTTCTTTA-3'
Protein context (NP_036238.1, residues 19-39): AEFDAVVGYL[Glu29Lys]DIIMDDEFQL

ClinVar aggregate classification (germline): Uncertain significance (1 of 4 stars; one submission).

Submission:

Labcorp Genetics (formerly Invitae), Labcorp
Classification: Uncertain significance. Last evaluated: 2022-06-23. Review status: criteria provided, single submitter. Criteria: Invitae Variant Classification Sherloc (09022015). Collection method: clinical testing. Allele origin: germline.
Comment: This variant is not present in population databases (gnomAD no frequency). This sequence change replaces glutamic acid, which is acidic and polar, with lysine, which is basic and polar, at codon 29 of the ARL2BP protein (p.Glu29Lys). This variant has not been reported in the literature in individuals affected with ARL2BP-related conditions. In summary, the available evidence is currently insufficient to determine the role of this variant in disease. Therefore, it has been classified as a Variant of Uncertain Significance. Algorithms developed to predict the effect of missense changes on protein structure and function are either unavailable or do not agree on the potential impact of this missense change (SIFT: "Deleterious"; PolyPhen-2: "Possibly Damaging"; Align-GVGD: "Class C0").